The following is an entry in ClinVar:

ClinVar aggregate classification (germline): Benign/Likely benign. Review status: criteria provided, multiple submitters, no conflicts (2 of 4 stars). 8 submissions from 8 submitters: Benign (4); Likely benign (2). 2 of the submissions do not count toward it. Last evaluated 2026-01-12.

Conditions:
Bethlem myopathy 1A. Also called: Bethlem myopathy 1; Bethlem Muscular Dystrophy; MYOPATHY, BENIGN CONGENITAL, WITH CONTRACTURES. Identifiers: Orphanet 610, MedGen CN029274, MONDO:0024530, OMIM 158810.
Ullrich congenital muscular dystrophy 1A. Also called: Ullrich congenital muscular dystrophy 1; Intermediate COL6-RD. Identifiers: Orphanet 75840, MedGen C0410179, MONDO:0009681, OMIM 254090.
Dystonia 27 (DYT27). Identifiers: Orphanet 464440, MedGen C4225336, MONDO:0014627, OMIM 616411.

Allele frequency attached by ClinVar (database versions not stated): ESP Exome Variant Server 0.00031; gnomAD exomes 0.00445 and 0.01016; gnomAD 0.00392 and 0.00530; ExAC 0.01062; 1000 Genomes Project 30x 0.01671; TOPMed 0.00227; 1000 Genomes Project 0.01777.
gnomAD v4.1: 7,283 of 1,573,014 alleles (0.46%); highest among the groups gnomAD compares: East Asian, 3.9%; 158 homozygotes.

Submissions (8):

Labcorp Genetics (formerly Invitae), Labcorp
Classification: Benign for Bethlem myopathy 1A. Last evaluated: 2026-01-12. Review status: criteria provided, single submitter. Criteria: Invitae Variant Classification Sherloc (09022015). Collection method: clinical testing. Allele origin: germline.

Fulgent Genetics
Classification: Benign for Bethlem myopathy 1A; Ullrich congenital muscular dystrophy 1A; Dystonia 27. Last evaluated: 2021-10-21. Review status: criteria provided, single submitter. Criteria: ACMG Guidelines, 2015. Collection method: clinical testing. Allele origin: unknown.

GeneDx
Classification: Benign. Last evaluated: 2016-08-08. Review status: criteria provided, single submitter. Criteria: GeneDx Variant Classification (06012015). Collection method: clinical testing. Allele origin: germline. Affected: yes.
Comment: This variant is considered likely benign or benign based on one or more of the following criteria: it is a conservative change, it occurs at a poorly conserved position in the protein, it is predicted to be benign by multiple in silico algorithms, and/or has population frequency not consistent with disease.

Eurofins Ntd Llc (ga)
Classification: Benign. Last evaluated: 2012-11-05. Review status: criteria provided, single submitter. Criteria: EGL Classification Definitions 2015. Collection method: clinical testing. Allele origin: germline. Observed: 1 variant allele, 1 heterozygote.

Breakthrough Genomics
Classification: Likely benign. Review status: criteria provided, single submitter. Criteria: ACMG Guidelines, 2015. Collection method: not provided. Allele origin: germline. Inheritance: Autosomal recessive inheritance. Affected: yes.

PreventionGenetics, part of Exact Sciences
Classification: Likely benign. Review status: criteria provided, single submitter. Criteria: ACMG Guidelines, 2015. Collection method: clinical testing. Allele origin: germline.

Clinical Genetics, Academic Medical Center
Classification: Likely benign. Review status: no assertion criteria provided. Collection method: clinical testing. Allele origin: germline. Affected: yes. Study: VKGL Data-share Consensus. Not counted in ClinVar's aggregate classification.

Laboratory of Diagnostic Genome Analysis, Leiden University Medical Center (LUMC)
Classification: Likely benign. Review status: no assertion criteria provided. Collection method: clinical testing. Allele origin: germline. Affected: yes. Study: VKGL Data-share Consensus. Not counted in ClinVar's aggregate classification.

NM_004369.4(COL6A3):c.4285+17G>A

Gene: COL6A3 (collagen type VI alpha 3 chain; minus strand). Cytogenetic location: 2q37.3.
Variant type: single nucleotide variant.
Coding change: c.4285+17G>A on transcript NM_004369.4 (MANE Select); 17 bases into the intron after coding-DNA position 4285, G replaced by A.
Molecular consequence: intron variant. On other transcripts: synonymous variant (2).
Genome position (GRCh38, 1-based): chr2:237,371,715, C>T on the plus strand (G>A on the coding strand, the complement: COL6A3 is on the minus strand). VCF-style: chr2-237371715-C-T. GRCh37 (hg19) VCF-style: chr2-238280358-C-T.
Other names: c.3081G>A, p.Ser1027= (NM_057164.5); c.3684G>A, p.Ser1228= (NM_057165.5); c.2464+17G>A (NM_057166.5); c.3667+17G>A (NM_057167.4).
Identifiers: ClinVar variation 94931 (VCV000094931.17), dbSNP rs3791000, ClinGen allele CA147961.